The following is an entry in ClinVar:

ClinVar aggregate classification (germline): Uncertain significance (1 of 4 stars; one submission).

Conditions:
Hereditary cancer-predisposing syndrome. Also called: Tumor predisposition; Hereditary neoplastic syndrome; Hereditary Cancer Syndrome; Neoplastic Syndromes, Hereditary. Identifiers: Orphanet 140162, MedGen C0027672, MeSH D009386, MONDO:0015356.

Allele frequency attached by ClinVar (database versions not stated): gnomAD exomes below 0.00001.
gnomAD v4.1: 1 of 1,613,186 alleles (0.000062%); highest among the groups gnomAD compares: Non-Finnish European, 0.000085%; no homozygotes.

Submission:

Ambry Genetics
Classification: Uncertain significance for Hereditary cancer-predisposing syndrome. Last evaluated: 2023-12-05. Review status: criteria provided, single submitter. Criteria: Ambry Variant Classification Scheme 2023. Collection method: clinical testing. Allele origin: germline.
Comment: The p.L734V variant (also known as c.2200C>G), located in coding exon 17 of the POLD1 gene, results from a C to G substitution at nucleotide position 2200. The leucine at codon 734 is replaced by valine, an amino acid with highly similar properties. This amino acid position is conserved. In addition, this alteration is predicted to be tolerated by in silico analysis. Since supporting evidence is limited at this time, the clinical significance of this alteration remains unclear.

NM_002691.4(POLD1):c.2200C>G (p.Leu734Val)

Gene: POLD1 (DNA polymerase delta 1, catalytic subunit; plus strand). Cytogenetic location: 19q13.33.
Variant type: single nucleotide variant.
Coding change: c.2200C>G on transcript NM_002691.4 (MANE Select); coding-DNA position 2200, C replaced by G.
Protein change: p.Leu734Val; replaces leucine 734 with valine.
Molecular consequence: missense variant. On other transcripts: non-coding transcript variant (1).
Genome position (GRCh38, 1-based): chr19:50,413,471, C>G. VCF-style: chr19-50413471-C-G. GRCh37 (hg19) VCF-style: chr19-50916728-C-G.
Other names: c.2200C>G, p.Leu734Val (NM_001256849.1); c.2278C>G, p.Leu760Val (NM_001308632.1); short protein forms L734V, L760V.
Identifiers: ClinVar variation 3222715 (VCV003222715.1), dbSNP rs2122438505, ClinGen allele CA406983630.